The following is an entry in ClinVar:

NM_025074.7(FRAS1):c.4648C>T (p.Leu1550Phe)

Gene: FRAS1 (Fraser extracellular matrix complex subunit 1; plus strand). Cytogenetic location: 4q21.21.
Variant type: single nucleotide variant.
Coding change: c.4648C>T on transcript NM_025074.7 (MANE Select); coding-DNA position 4648, C replaced by T.
Protein change: p.Leu1550Phe; replaces leucine 1550 with phenylalanine.
Molecular consequence: missense variant.
Genome position (GRCh38, 1-based): chr4:78,421,970, C>T. VCF-style: chr4-78421970-C-T. GRCh37 (hg19) VCF-style: chr4-79343124-C-T.
Other names: c.4648C>T, p.Leu1550Phe (NM_001166133.2); short protein forms L1550F.
Identifiers: ClinVar variation 349715 (VCV000349715.67), dbSNP rs148663672, ClinGen allele CA2977267.

ClinVar aggregate classification (germline): Conflicting classifications of pathogenicity. Review status: criteria provided, conflicting classifications (1 of 4 stars). 10 submissions from 10 submitters: Uncertain significance (2); Likely benign (5). 3 of the submissions do not count toward it. Last evaluated 2026-02-01.

Conditions:
FRAS1-related disorder. Also called: FRAS1-related condition.
Fraser syndrome 1 (FRASRS1). Also called: CRYPTOPHTHALMOS WITH OTHER MALFORMATIONS. Identifiers: Orphanet 2052, MedGen C4551480, MONDO:0054737, OMIM 219000.

Allele frequency attached by ClinVar (database versions not stated): 1000 Genomes Project 0.00040; 1000 Genomes Project 30x 0.00047; ExAC 0.00228; gnomAD exomes 0.00232 and 0.00453; TOPMed 0.00238; gnomAD 0.00259 and 0.00269; ESP Exome Variant Server 0.00329.
gnomAD v4.1: 6,914 of 1,613,272 alleles (0.43%); highest among the groups gnomAD compares: Non-Finnish European, 0.55%; 15 homozygotes.

Submissions (10):

Labcorp Genetics (formerly Invitae), Labcorp
Classification: Likely benign. Last evaluated: 2026-02-01. Review status: criteria provided, single submitter. Criteria: Invitae Variant Classification Sherloc (09022015). Collection method: clinical testing. Allele origin: germline.

CeGaT Center for Human Genetics Tuebingen
Classification: Likely benign. Last evaluated: 2026-01-01. Review status: criteria provided, single submitter. Criteria: CeGaT Center For Human Genetics Tuebingen Variant Classification Criteria Version 2. Collection method: clinical testing. Allele origin: germline. Affected: yes. Observed: 6 variant alleles.
Comment: FRAS1: BS2

Blueprint Genetics
Classification: Likely benign. Last evaluated: 2024-11-07. Review status: criteria provided, single submitter. Criteria: ACMG Guidelines, 2015. Collection method: clinical testing. Allele origin: germline.

Women's Health and Genetics/Laboratory Corporation of America, LabCorp
Classification: Likely benign. Last evaluated: 2022-01-21. Review status: criteria provided, single submitter. Criteria: LabCorp Variant Classification Summary - May 2015. Collection method: clinical testing. Allele origin: germline.
Comment: Variant summary: FRAS1 c.4648C>T (p.Leu1550Phe) results in a non-conservative amino acid change located in the CSPG repeat (IPR039005) of the encoded protein sequence. Three of five in-silico tools predict a damaging effect of the variant on protein function. The variant allele was found at a frequency of 0.0023 in 248184 control chromosomes, predominantly at a frequency of 0.0042 within the Non-Finnish European subpopulation in the gnomAD database, including 1 homozygote. The observed variant frequency within Non-Finnish European control individuals in the gnomAD database is approximately 2 fold of the estimated maximal expected allele frequency for a pathogenic variant in FRAS1 causing Cryptophthalmos Syndrome phenotype (0.0018), strongly suggesting that the variant is a benign polymorphism found primarily in populations of Non-Finnish European origin. c.4648C>T has been reported in the literature in one individual affected with neonatal respiratory failure and lung hypoplasia (Karolak_2019), which are symptoms included within Cryptophtalmos syndrome as well as in a patient with a kidney phenoytpe (Mansilla_2021), without strong evidence for causality. These data do not allow any conclusion about variant significance. To our knowledge, no experimental evidence demonstrating an impact on protein function has been reported. Five ClinVar submitters have assessed the variant since 2014: three have classified the variant as of uncertain significance and two as likely benign. Based on the evidence outlined above, the variant was classified as likely benign.

Fulgent Genetics
Classification: Uncertain significance for Fraser syndrome 1. Last evaluated: 2018-10-31. Review status: criteria provided, single submitter. Criteria: ACMG Guidelines, 2015. Collection method: clinical testing. Allele origin: unknown.

Illumina Laboratory Services, Illumina
Classification: Likely benign for Fraser syndrome 1. Last evaluated: 2018-01-13. Review status: criteria provided, single submitter. Criteria: ICSL Variant Classification Criteria 13 December 2019. Collection method: clinical testing. Allele origin: germline.
Comment: This variant was observed in the ICSL laboratory as part of a predisposition screen in an ostensibly healthy population. It had not been previously curated by ICSL or reported in the Human Gene Mutation Database (HGMD: prior to June 1st, 2018), and was therefore a candidate for classification through an automated scoring system. Utilizing variant allele frequency, disease prevalence and penetrance estimates, and inheritance mode, an automated score was calculated to assess if this variant is too frequent to cause the disease. Based on the score and internal cut-off values, a variant classified as likely benign is not then subjected to further curation. The score for this variant resulted in a classification of likely benign for this disease.

GeneDx
Classification: Uncertain significance. Last evaluated: 2017-05-02. Review status: criteria provided, single submitter. Criteria: GeneDx Variant Classification (06012015). Collection method: clinical testing. Allele origin: germline. Affected: yes.
Comment: The L1550F variant in the FRAS1 gene has not been reported previously as a pathogenic variant, nor as a benign variant, to our knowledge. The L1550F variant is observed in 241/66,284 (0.36%) alleles from individuals of European (non-Finnish) background in the ExAC dataset (Lek et al., 2016). The L1550F variant is a conservative amino acid substitution, which is not likely to impact secondary protein structure as these residues share similar properties. While this substitution occurs at a position that is conserved across species, in silico analysis is inconsistent in its predictions as to whether or not the variant is damaging to the protein structure/function. We interpret L1550F as a variant of uncertain significance.

PreventionGenetics, part of Exact Sciences
Classification: Likely benign for FRAS1-related condition. Last evaluated: 2021-10-08. Review status: no assertion criteria provided. Collection method: clinical testing. Allele origin: germline. Not counted in ClinVar's aggregate classification.
Comment: This variant is classified as likely benign based on ACMG/AMP sequence variant interpretation guidelines (Richards et al. 2015 PMID: 25741868, with internal and published modifications).

Genome Diagnostics Laboratory, University Medical Center Utrecht
Classification: Likely benign. Review status: no assertion criteria provided. Collection method: clinical testing. Allele origin: germline. Affected: yes. Study: VKGL Data-share Consensus. Not counted in ClinVar's aggregate classification.

Laboratory of Diagnostic Genome Analysis, Leiden University Medical Center (LUMC)
Classification: Likely benign. Review status: no assertion criteria provided. Collection method: clinical testing. Allele origin: germline. Affected: yes. Study: VKGL Data-share Consensus. Not counted in ClinVar's aggregate classification.

Literature cited by the submitters: PubMed 31738409 (cited by Women's Health and Genetics/Laboratory Corporation of America, LabCorp); PubMed 33726816 (cited by Women's Health and Genetics/Laboratory Corporation of America, LabCorp); PubMed 30639323 (cited by Women's Health and Genetics/Laboratory Corporation of America, LabCorp).